The following is an entry in ClinVar:

NM_014236.4(GNPAT):c.1810G>A (p.Val604Ile)

Gene: GNPAT (glyceronephosphate O-acyltransferase; plus strand). Cytogenetic location: 1q42.2.
Variant type: single nucleotide variant.
Coding change: c.1810G>A on transcript NM_014236.4 (MANE Select); coding-DNA position 1810, G replaced by A.
Protein change: p.Val604Ile; replaces valine 604 with isoleucine.
Molecular consequence: missense variant.
Genome position (GRCh38, 1-based): chr1:231,275,287, G>A. VCF-style: chr1-231275287-G-A. GRCh37 (hg19) VCF-style: chr1-231411033-G-A.
Other names: c.1627G>A, p.Val543Ile (NM_001316350.2); short protein forms V543I, V604I.
Identifiers: ClinVar variation 1467246 (VCV001467246.6), dbSNP rs552693336, ClinGen allele CA1452134.

ClinVar aggregate classification (germline): Uncertain significance. Review status: criteria provided, multiple submitters, no conflicts (2 of 4 stars). 2 submissions from 2 submitters: Uncertain significance (2). Last evaluated 2022-07-19.

Conditions:
Rhizomelic chondrodysplasia punctata type 2 (RCDP2). Also called: Chondrodysplasia punctata, rhizomelic, due to dihydroxyacetonephosphate acyltransferase deficiency; Glyceronephosphate O-acyltransferase deficiency; DIHYDROXYACETONEPHOSPHATE ACYLTRANSFERASE DEFICIENCY; PEROXISOMAL DIHYDROXYACETONEPHOSPHATE ACYLTRANSFERASE DEFICIENCY; glyceronephosphate O-acyltransferase (GNPAT) deficiency; DHAPAT DEFICIENCY. Identifiers: Orphanet 177, Orphanet 309796, MedGen C1857242, MONDO:0100273, OMIM 222765. Disease mechanism: loss of function.

Allele frequency attached by ClinVar (database versions not stated): gnomAD 0.00002; gnomAD exomes 0.00003 and 0.00006; ExAC 0.00008.
gnomAD v4.1: 52 of 1,613,198 alleles (0.0032%); highest among the groups gnomAD compares: South Asian, 0.057%; no homozygotes.

Submissions (2):

Labcorp Genetics (formerly Invitae), Labcorp
Classification: Uncertain significance. Last evaluated: 2022-07-19. Review status: criteria provided, single submitter. Criteria: Invitae Variant Classification Sherloc (09022015). Collection method: clinical testing. Allele origin: germline.
Comment: This sequence change replaces valine, which is neutral and non-polar, with isoleucine, which is neutral and non-polar, at codon 604 of the GNPAT protein (p.Val604Ile). This variant is present in population databases (rs552693336, gnomAD 0.06%). This variant has not been reported in the literature in individuals affected with GNPAT-related conditions. ClinVar contains an entry for this variant (Variation ID: 1467246). Algorithms developed to predict the effect of missense changes on protein structure and function output the following: SIFT: "Deleterious"; PolyPhen-2: "Benign"; Align-GVGD: "Class C0". The isoleucine amino acid residue is found in multiple mammalian species, which suggests that this missense change does not adversely affect protein function. In summary, the available evidence is currently insufficient to determine the role of this variant in disease. Therefore, it has been classified as a Variant of Uncertain Significance.

Revvity Omics, Revvity
Classification: Uncertain significance for Rhizomelic chondrodysplasia punctata type 2. Last evaluated: 2022-01-10. Review status: criteria provided, single submitter. Criteria: ACMG Guidelines, 2015. Collection method: clinical testing. Allele origin: germline.